The following is an entry in ClinVar:

ClinVar aggregate classification (germline): Pathogenic (1 of 4 stars; one submission).

Conditions:
Arrhythmogenic cardiomyopathy with wooly hair and keratoderma. Also called: PALMOPLANTAR KERATODERMA WITH LEFT VENTRICULAR CARDIOMYOPATHY AND WOOLLY HAIR; Carvajal syndrome; Dilated cardiomyopathy with woolly hair and keratoderma; Arrhythmogenic cardiomyopathy with woolly hair and keratoderma. Identifiers: Orphanet 65282, MedGen C1854063, MONDO:0011581, OMIM 605676.
Arrhythmogenic right ventricular dysplasia 8 (ARVD8). Also called: ARRHYTHMOGENIC RIGHT VENTRICULAR DYSPLASIA, FAMILIAL, 8; Arrhythmogenic Right Ventricular Dysplasia/Cardiomyopathy 8; ARRHYTHMOGENIC RIGHT VENTRICULAR CARDIOMYOPATHY 8. Identifiers: MedGen C1843896, MONDO:0011831, OMIM 607450.

Submission:

Labcorp Genetics (formerly Invitae), Labcorp
Classification: Pathogenic for Arrhythmogenic cardiomyopathy with wooly hair and keratoderma; Arrhythmogenic right ventricular dysplasia 8. Last evaluated: 2022-10-19. Review status: criteria provided, single submitter. Criteria: Invitae Variant Classification Sherloc (09022015). Collection method: clinical testing. Allele origin: germline.
Comment: This sequence change creates a premature translational stop signal (p.Met1203Ilefs*5) in the DSP gene. It is expected to result in an absent or disrupted protein product. Loss-of-function variants in DSP are known to be pathogenic (PMID: 20716751, 24503780, 25227139). This variant is not present in population databases (gnomAD no frequency). This variant has not been reported in the literature in individuals affected with DSP-related conditions. ClinVar contains an entry for this variant (Variation ID: 1453429). For these reasons, this variant has been classified as Pathogenic.

Literature cited by the submitters: PubMed 20716751; PubMed 24503780; PubMed 25227139.

NM_004415.4(DSP):c.3608_3609insAC (p.Met1203fs)

Gene: DSP (desmoplakin; plus strand). Cytogenetic location: 6p24.3.
Variant type: Insertion.
Coding change: c.3608_3609insAC on transcript NM_004415.4 (MANE Select); coding-DNA positions 3608 to 3609, AC inserted.
Protein change: p.Met1203fs; shifts the reading frame from methionine 1203.
Molecular consequence: frameshift variant. On other transcripts: intron variant (1).
Genome position: GRCh38 VCF-style: chr6-7579798-T-TAC. GRCh37 (hg19) VCF-style: chr6-7580031-T-TAC.
Other names: c.3608_3609insAC, p.Met1203fs (NM_001319034.2); c.3582+26_3582+27insAC (NM_001008844.3); short protein forms M1203fs.
Identifiers: ClinVar variation 1453429 (VCV001453429.6), dbSNP rs2113692208, ClinGen allele CA2573140799.
Genomic context (GRCh38, chr6:7,579,798, plus strand): 5'-CCCGGAAGAGAGAATATGAAAATGAGCTGGCAAAGGTAAGAAACCACTATAATGAGGAGA[T>TAC]GAGTAATTTAAGGAACAAGTATGAAACAGAGATTAACATTACGAAGACCACCATCAAGGA-3'